The following is an entry in ClinVar:

NM_005245.4(FAT1):c.2259C>G (p.Val753=)

Gene: FAT1 (FAT atypical cadherin 1; minus strand). Cytogenetic location: 4q35.2.
Variant type: single nucleotide variant.
Coding change: c.2259C>G on transcript NM_005245.4 (MANE Select); coding-DNA position 2259, C replaced by G.
Protein change: p.Val753=; no amino-acid change (valine 753 retained).
Molecular consequence: synonymous variant.
Genome position (GRCh38, 1-based): chr4:186,707,569, G>C on the plus strand (C>G on the coding strand, the complement: FAT1 is on the minus strand). VCF-style: chr4-186707569-G-C. GRCh37 (hg19) VCF-style: chr4-187628723-G-C.
Other names: c.2259C>G (NM_005245.3).
Identifiers: ClinVar variation 1577295 (VCV001577295.11), dbSNP rs142968581, ClinGen allele CA3167298.

ClinVar aggregate classification (germline): Likely benign. Review status: criteria provided, multiple submitters, no conflicts (2 of 4 stars). 3 submissions from 3 submitters: Likely benign (2). 1 of the submissions does not count toward it. Last evaluated 2026-01-19.

Conditions:
FAT1-related disorder. Also called: FAT1-related condition.

Allele frequency attached by ClinVar (database versions not stated): 1000 Genomes Project 30x 0.00016; 1000 Genomes Project 0.00020; gnomAD 0.00029; TOPMed 0.00029; gnomAD exomes 0.00030 and 0.00036; ESP Exome Variant Server 0.00033; ExAC 0.00046.
gnomAD v4.1: 476 of 1,613,956 alleles (0.029%); highest among the groups gnomAD compares: Non-Finnish European, 0.038%; 1 homozygote.

Submissions (3):

Labcorp Genetics (formerly Invitae), Labcorp
Classification: Likely benign. Last evaluated: 2026-01-19. Review status: criteria provided, single submitter. Criteria: Invitae Variant Classification Sherloc (09022015). Collection method: clinical testing. Allele origin: germline.

Blueprint Genetics
Classification: Likely benign. Last evaluated: 2024-10-23. Review status: criteria provided, single submitter. Criteria: ACMG Guidelines, 2015. Collection method: clinical testing. Allele origin: germline.

PreventionGenetics, part of Exact Sciences
Classification: Likely benign for FAT1-related condition. Last evaluated: 2019-09-19. Review status: no assertion criteria provided. Collection method: clinical testing. Allele origin: germline. Not counted in ClinVar's aggregate classification.
Comment: This variant is classified as likely benign based on ACMG/AMP sequence variant interpretation guidelines (Richards et al. 2015 PMID: 25741868, with internal and published modifications).